The following is an entry in ClinVar:

NM_004247.4(EFTUD2):c.994+7G>A

Gene: EFTUD2 (elongation factor Tu GTP binding domain containing 2; minus strand). Cytogenetic location: 17q21.31.
Variant type: single nucleotide variant.
Coding change: c.994+7G>A on transcript NM_004247.4 (MANE Select); 7 bases into the intron after coding-DNA position 994, G replaced by A.
Molecular consequence: intron variant.
Genome position (GRCh38, 1-based): chr17:44,872,439, C>T on the plus strand (G>A on the coding strand, the complement: EFTUD2 is on the minus strand). VCF-style: chr17-44872439-C-T. GRCh37 (hg19) VCF-style: chr17-42949807-C-T.
Other names: c.889+7G>A (NM_001142605.2); c.964+7G>A (NM_001258354.2); c.994+7G>A (NM_001258353.2).
Identifiers: ClinVar variation 259256 (VCV000259256.30), dbSNP rs374041284, ClinGen allele CA8607935.
Genomic context (GRCh38, chr17:44,872,439, plus strand): 5'-CATTCAGCAGGAAAGGCACACAGGACTCAGGGGAAGCTGGTGAGACAGACTGCCAGCCAG[C>T]GCTTACCAAAGGTGTCGGCATAGATCTTGGCAAAGGAGCCCAGCGTGAAGCAGATGCTGT-3'

ClinVar aggregate classification (germline): Benign/Likely benign. Review status: criteria provided, multiple submitters, no conflicts (2 of 4 stars). 5 submissions from 5 submitters: Benign (2); Likely benign (3). Last evaluated 2026-01-17.

Allele frequency attached by ClinVar (database versions not stated): gnomAD 0.00051 and 0.00048; TOPMed 0.00059; ESP Exome Variant Server 0.00069; 1000 Genomes Project 30x 0.00016; 1000 Genomes Project 0.00020; gnomAD exomes 0.00044 and 0.00050; ExAC 0.00049.
gnomAD v4.1: 800 of 1,611,192 alleles (0.05%); highest among the groups gnomAD compares: Admixed American, 0.1%; 1 homozygote.

Submissions (5):

Labcorp Genetics (formerly Invitae), Labcorp
Classification: Benign. Last evaluated: 2026-01-17. Review status: criteria provided, single submitter. Criteria: Invitae Variant Classification Sherloc (09022015). Collection method: clinical testing. Allele origin: germline.

Blueprint Genetics
Classification: Likely benign. Last evaluated: 2024-11-19. Review status: criteria provided, single submitter. Criteria: ACMG Guidelines, 2015. Collection method: clinical testing. Allele origin: germline.

CeGaT Center for Human Genetics Tuebingen
Classification: Likely benign. Last evaluated: 2024-08-01. Review status: criteria provided, single submitter. Criteria: CeGaT Center For Human Genetics Tuebingen Variant Classification Criteria Version 2. Collection method: clinical testing. Allele origin: germline. Affected: yes. Observed: 1 variant allele.
Comment: EFTUD2: BP4, BS1

GeneDx
Classification: Benign. Last evaluated: 2020-10-16. Review status: criteria provided, single submitter. Criteria: GeneDx Variant Classification Process June 2021. Collection method: clinical testing. Allele origin: germline. Affected: yes.

PreventionGenetics, part of Exact Sciences
Classification: Likely benign. Review status: criteria provided, single submitter. Criteria: ACMG Guidelines, 2015. Collection method: clinical testing. Allele origin: germline.